The following is an entry in ClinVar:

NM_000494.4(COL17A1):c.566G>C (p.Gly189Ala)

Gene: COL17A1 (collagen type XVII alpha 1 chain; minus strand). Cytogenetic location: 10q25.1.
Variant type: single nucleotide variant.
Coding change: c.566G>C on transcript NM_000494.4 (MANE Select); coding-DNA position 566, G replaced by C.
Protein change: p.Gly189Ala; replaces glycine 189 with alanine.
Molecular consequence: missense variant.
Genome position (GRCh38, 1-based): chr10:104,070,467, C>G on the plus strand (G>C on the coding strand, the complement: COL17A1 is on the minus strand). VCF-style: chr10-104070467-C-G. GRCh37 (hg19) VCF-style: chr10-105830225-C-G.
Other names: short protein forms G189A.
Identifiers: ClinVar variation 741678 (VCV000741678.11), dbSNP rs376556766, ClinGen allele CA5679381.

ClinVar aggregate classification (germline): Benign. Review status: criteria provided, multiple submitters, no conflicts (2 of 4 stars). 2 submissions from 2 submitters: Benign (2). Last evaluated 2026-02-04.

Conditions:
Junctional epidermolysis bullosa, non-Herlitz type. Also called: Epidermolysis bullosa, junctional, non-herlitz type, somatic mosaic revertant; EPIDERMOLYSIS BULLOSA, JUNCTIONAL 1A, INTERMEDIATE; EPIDERMOLYSIS BULLOSA JUNCTIONALIS, DISENTIS TYPE; EPIDERMOLYSIS BULLOSA JUNCTIONALIS, NON-HERLITZ TYPE; EPIDERMOLYSIS BULLOSA JUNCTIONALIS, PROGRESSIVE; EPIDERMOLYSIS BULLOSA JUNCTIONALIS, SEVERE NONLETHAL. Identifiers: Orphanet 251393, Orphanet 79402, Orphanet 79405, Orphanet 89840, MedGen C0268374, MONDO:0009180, OMIM 226650.

Allele frequency attached by ClinVar (database versions not stated): gnomAD 0.00001 and 0.00080; TOPMed 0.00018; gnomAD exomes 0.00137 and 0.00278; ExAC 0.00330; 1000 Genomes Project 30x 0.00547; 1000 Genomes Project 0.00619.
gnomAD v4.1: 2,153 of 1,614,164 alleles (0.13%); highest among the groups gnomAD compares: South Asian, 2.2%; 52 homozygotes.

Submissions (2):

Labcorp Genetics (formerly Invitae), Labcorp
Classification: Benign. Last evaluated: 2026-02-04. Review status: criteria provided, single submitter. Criteria: Invitae Variant Classification Sherloc (09022015). Collection method: clinical testing. Allele origin: germline.

Illumina Laboratory Services, Illumina
Classification: Benign for Junctional epidermolysis bullosa, non-Herlitz type. Last evaluated: 2018-01-12. Review status: criteria provided, single submitter. Criteria: ICSL Variant Classification Criteria 13 December 2019. Collection method: clinical testing. Allele origin: germline.
Comment: This variant was observed in the ICSL laboratory as part of a predisposition screen in an ostensibly healthy population. It had not been previously curated by ICSL or reported in the Human Gene Mutation Database (HGMD: prior to June 1st, 2018), and was therefore a candidate for classification through an automated scoring system. Utilizing variant allele frequency, disease prevalence and penetrance estimates, and inheritance mode, an automated score was calculated to assess if this variant is too frequent to cause the disease. Based on the score and internal cut-off values, a variant classified as benign is not then subjected to further curation. The score for this variant resulted in a classification of benign for this disease.